The following is an entry in ClinVar:

ClinVar aggregate classification (germline): Uncertain significance (1 of 4 stars; one submission).

Allele frequency attached by ClinVar (database versions not stated): TOPMed 0.00001; ExAC 0.00002.
gnomAD v4.1: 22 of 1,613,354 alleles (0.0014%); highest among the groups gnomAD compares: Non-Finnish European, 0.0019%; no homozygotes.

Submission:

Labcorp Genetics (formerly Invitae), Labcorp
Classification: Uncertain significance. Last evaluated: 2025-02-03. Review status: criteria provided, single submitter. Criteria: Invitae Variant Classification Sherloc (09022015). Collection method: clinical testing. Allele origin: germline.
Comment: This sequence change replaces aspartic acid, which is acidic and polar, with asparagine, which is neutral and polar, at codon 320 of the CAPN5 protein (p.Asp320Asn). This variant is present in population databases (rs782282556, gnomAD 0.002%). This variant has not been reported in the literature in individuals affected with CAPN5-related conditions. ClinVar contains an entry for this variant (Variation ID: 1949133). Invitae Evidence Modeling of protein sequence and biophysical properties (such as structural, functional, and spatial information, amino acid conservation, physicochemical variation, residue mobility, and thermodynamic stability) indicates that this missense variant is not expected to disrupt CAPN5 protein function with a negative predictive value of 80%. In summary, the available evidence is currently insufficient to determine the role of this variant in disease. Therefore, it has been classified as a Variant of Uncertain Significance.

NM_004055.5(CAPN5):c.958G>A (p.Asp320Asn)

Gene: CAPN5 (calpain 5; plus strand). Cytogenetic location: 11q13.5.
Variant type: single nucleotide variant.
Coding change: c.958G>A on transcript NM_004055.5 (MANE Select); coding-DNA position 958, G replaced by A.
Protein change: p.Asp320Asn; replaces aspartic acid 320 with asparagine.
Molecular consequence: missense variant.
Genome position (GRCh38, 1-based): chr11:77,116,290, G>A. VCF-style: chr11-77116290-G-A. GRCh37 (hg19) VCF-style: chr11-76827336-G-A.
Other names: short protein forms D320N.
Identifiers: ClinVar variation 1949133 (VCV001949133.5), dbSNP rs782282556, ClinGen allele CA6196614.